The following is an entry in ClinVar:

ClinVar aggregate classification (germline): Uncertain significance. Review status: criteria provided, multiple submitters, no conflicts (2 of 4 stars). 2 submissions from 2 submitters: Uncertain significance (2). Last evaluated 2022-02-04.

Conditions:
Loeys-Dietz syndrome 2 (LDS2). Also called: TGFBR2-Related Loeys-Dietz Syndrome; Marfan Syndrome type 2; Marfan like connective tissue disorder; MFS 2; AORTIC ANEURYSM, FAMILIAL THORACIC 3; MARFAN SYNDROME, TYPE II. Identifiers: Orphanet 284973, Orphanet 558, MedGen C2674574, MONDO:0012427, OMIM 610168.

Allele frequency attached by ClinVar (database versions not stated): gnomAD exomes below 0.00001.
gnomAD v4.1: 2 of 1,613,970 alleles (0.00012%); highest among the groups gnomAD compares: African/African-American, 0.0013%; no homozygotes.

Submissions (2):

Ambry Genetics
Classification: Uncertain significance. Last evaluated: 2022-02-04. Review status: criteria provided, single submitter. Criteria: Ambry Variant Classification Scheme 2023. Collection method: clinical testing. Allele origin: germline.
Comment: The p.M643V variant (also known as c.1927A>G), located in coding exon 4 of the TMPO gene, results from an A to G substitution at nucleotide position 1927. The methionine at codon 643 is replaced by valine, an amino acid with highly similar properties. This amino acid position is conserved. In addition, the in silico prediction for this alteration is inconclusive. Since supporting evidence is limited at this time, the clinical significance of this alteration remains unclear.

Labcorp Genetics (formerly Invitae), Labcorp
Classification: Uncertain significance for Loeys-Dietz syndrome 2. Last evaluated: 2018-02-13. Review status: criteria provided, single submitter. Criteria: Invitae Variant Classification Sherloc (09022015). Collection method: clinical testing. Allele origin: germline.
Comment: In summary, the available evidence is currently insufficient to determine the role of this variant in disease. Therefore, it has been classified as a Variant of Uncertain Significance. Algorithms developed to predict the effect of missense changes on protein structure and function do not agree on the potential impact of this missense change (SIFT: "Deleterious"; PolyPhen-2: "Probably Damaging"; Align-GVGD: "Class C15"). This variant has not been reported in the literature in individuals with TMPO-related disease. This variant is not present in population databases (ExAC no frequency). This sequence change replaces methionine with valine at codon 643 of the TMPO protein (p.Met643Val). The methionine residue is highly conserved and there is a small physicochemical difference between methionine and valine.

NM_001032283.3(TMPO):c.565+2346A>G

Gene: TMPO (thymopoietin; plus strand). Cytogenetic location: 12q23.1.
Variant type: single nucleotide variant.
Coding change: c.565+2346A>G on transcript NM_001032283.3 (MANE Select); 2346 bases into the intron after coding-DNA position 565, A replaced by G.
Molecular consequence: intron variant. On other transcripts: missense variant (1).
Genome position (GRCh38, 1-based): chr12:98,534,184, A>G. VCF-style: chr12-98534184-A-G. GRCh37 (hg19) VCF-style: chr12-98927962-A-G.
Other names: c.1927A>G, p.Met643Val (NM_003276.2); c.565+2346A>G (NM_001307975.2, NM_001032284.3); short protein forms M643V.
Identifiers: ClinVar variation 575766 (VCV000575766.11), dbSNP rs1565812255, ClinGen allele CA386154232.
Genomic context (GRCh38, chr12:98,534,184, plus strand): 5'-GATGCAGCCTCATATATTTGTGAAGCTGCATTTGATGAAGTGAAGATGGCTGCCCATACC[A>G]TGGGAAATGCCACTGTAGGTCGTCGATACCTCTGGCTGAAGGATTGCAAAATTAATTTAG-3'